The following is an entry in ClinVar:

ClinVar aggregate classification (germline): Benign/Likely benign. Review status: criteria provided, multiple submitters, no conflicts (2 of 4 stars). 2 submissions from 2 submitters: Benign (1); Likely benign (1). Last evaluated 2025-08-01.

Conditions:
Wilms tumor 1 (WT1). Also called: Wilms tumor, somatic. Identifiers: Orphanet 654, MedGen CN033288, MONDO:0008679, OMIM 194070.

Allele frequency attached by ClinVar (database versions not stated): ExAC 0.00003; gnomAD exomes 0.00003 and 0.00006.
gnomAD v4.1: 34 of 1,210,796 alleles (0.0028%); highest among the groups gnomAD compares: South Asian, 0.046%; no homozygotes.

Submissions (3):

CeGaT Center for Human Genetics Tuebingen
Classification: Likely benign. Last evaluated: 2025-08-01. Review status: criteria provided, single submitter. Criteria: CeGaT Center For Human Genetics Tuebingen Variant Classification Criteria Version 2. Collection method: clinical testing. Allele origin: germline. Affected: yes. Observed: 1 variant allele.
Comment: GPC3: BP4, BP7

Labcorp Genetics (formerly Invitae), Labcorp
Classification: Benign for Wilms tumor 1. Last evaluated: 2024-09-08. Review status: criteria provided, single submitter. Criteria: Invitae Variant Classification Sherloc (09022015). Collection method: clinical testing. Allele origin: germline.

Dr. Peter K. Rogan Lab, Western University
No classification provided (evidence only). Condition: Thyroid cancer, nonmedullary, 1. Review status: no classification provided. Collection method: in vitro. Allele origin: not applicable. Functional consequence: retained intron. Not counted in ClinVar's aggregate classification.

NM_004484.4(GPC3):c.825C>T (p.Gly275=)

Gene: GPC3 (glypican 3; minus strand). Cytogenetic location: Xq26.2.
Variant type: single nucleotide variant.
Coding change: c.825C>T on transcript NM_004484.4 (MANE Select); coding-DNA position 825, C replaced by T.
Protein change: p.Gly275=; no amino-acid change (glycine 275 retained).
Molecular consequence: synonymous variant.
Genome position (GRCh38, 1-based): chrX:133,753,689, G>A on the plus strand (C>T on the coding strand, the complement: GPC3 is on the minus strand). VCF-style: chrX-133753689-G-A. GRCh37 (hg19) VCF-style: chrX-132887716-G-A.
Other names: c.825C>T, p.Gly275= (NM_001164617.2); c.777C>T, p.Gly259= (NM_001164618.2); c.663C>T, p.Gly221= (NM_001164619.2).
Identifiers: ClinVar variation 1165899 (VCV001165899.18), dbSNP rs753811089, ClinGen allele CA10520793.